The following is an entry in ClinVar:

ClinVar aggregate classification (germline): Likely benign. Review status: criteria provided, multiple submitters, no conflicts (2 of 4 stars). 4 submissions from 4 submitters: Likely benign (4). Last evaluated 2024-03-24.

Conditions:
Arrhythmogenic right ventricular cardiomyopathy (ARVD). Also called: Cardiomyopathy, ARVC; Arrhythmogenic right ventricular dysplasia; Arrhythmogenic cardiomyopathy; Arrhythmogenic Right Ventricular Cardiomyopathy (ARVC). Identifiers: Orphanet 247, MedGen C0349788, MeSH D019571, MONDO:0016587. Disease mechanism: loss of function. Inheritance: Various modes of inheritance.
Cardiovascular phenotype. Identifiers: MedGen CN230736.
Cardiomyopathy (CMYO). Also called: Cardiomyopathies. Identifiers: Orphanet 167848, MedGen C0878544, MONDO:0004994, HP:0001638. Inheritance: Various modes of inheritance.
Arrhythmogenic right ventricular dysplasia 9 (ARVD9). Also called: Arrhythmogenic Right Ventricular Dysplasia/Cardiomyopathy 9; ARRHYTHMOGENIC RIGHT VENTRICULAR DYSPLASIA, FAMILIAL, 9. Identifiers: MedGen C1836906, MONDO:0012180, OMIM 609040.

Allele frequency attached by ClinVar (database versions not stated): ExAC 0.00001; gnomAD 0.00001; TOPMed 0.00002.
gnomAD v4.1: 3 of 1,574,154 alleles (0.00019%); highest among the groups gnomAD compares: Admixed American, 0.0034%; no homozygotes.

Submissions (4):

All of Us Research Program, National Institutes of Health
Classification: Likely benign for Arrhythmogenic right ventricular cardiomyopathy. Last evaluated: 2024-03-24. Review status: criteria provided, single submitter. Criteria: ACMG Guidelines, 2015. Collection method: clinical testing. Allele origin: germline. Inheritance: Autosomal dominant inheritance. Observed: 1 variant allele, 1 heterozygote.
Comment: This study involves interpretation of variants in research participants for the purpose of population health screening. Participant phenotype was not available at the time of variant classification. Additional details can be found in publication PMID: 35346344, PMCID: PMC8962531

Labcorp Genetics (formerly Invitae), Labcorp
Classification: Likely benign for Arrhythmogenic right ventricular dysplasia 9. Last evaluated: 2022-11-30. Review status: criteria provided, single submitter. Criteria: Invitae Variant Classification Sherloc (09022015). Collection method: clinical testing. Allele origin: germline.

Color Diagnostics, LLC DBA Color Health
Classification: Likely benign for Cardiomyopathy. Last evaluated: 2021-03-23. Review status: criteria provided, single submitter. Criteria: ACMG Guidelines, 2015. Collection method: clinical testing. Allele origin: germline.

Ambry Genetics
Classification: Likely benign for Cardiovascular phenotype. Last evaluated: 2019-11-24. Review status: criteria provided, single submitter. Criteria: Ambry Variant Classification Scheme 2023. Collection method: clinical testing. Allele origin: germline.

NM_001005242.3(PKP2):c.192C>A (p.Leu64=)

Gene: PKP2 (plakophilin 2; minus strand). Cytogenetic location: 12p11.21.
Variant type: single nucleotide variant.
Coding change: c.192C>A on transcript NM_001005242.3 (MANE Select); coding-DNA position 192, C replaced by A.
Protein change: p.Leu64=; no amino-acid change (leucine 64 retained).
Molecular consequence: synonymous variant.
Genome position (GRCh38, 1-based): chr12:32,896,540, G>T on the plus strand (C>A on the coding strand, the complement: PKP2 is on the minus strand). VCF-style: chr12-32896540-G-T. GRCh37 (hg19) VCF-style: chr12-33049474-G-T.
Other names: c.192C>A, p.Leu64= (NM_004572.4).
Identifiers: ClinVar variation 1150138 (VCV001150138.14), dbSNP rs768376044, ClinGen allele CA031474.